The following is an entry in ClinVar:

NM_004738.5(VAPB):c.390T>G (p.Asp130Glu)

Gene: VAPB (VAMP associated protein B and C; plus strand). Cytogenetic location: 20q13.32.
Variant type: single nucleotide variant.
Coding change: c.390T>G on transcript NM_004738.5 (MANE Select); coding-DNA position 390, T replaced by G.
Protein change: p.Asp130Glu; replaces aspartic acid 130 with glutamic acid.
Molecular consequence: missense variant. On other transcripts: intron variant (1).
Genome position (GRCh38, 1-based): chr20:58,439,019, T>G. VCF-style: chr20-58439019-T-G. GRCh37 (hg19) VCF-style: chr20-57014075-T-G.
Other names: c.212-5058T>G (NM_001195677.2); short protein forms D130E.
Identifiers: ClinVar variation 259538 (VCV000259538.32), dbSNP rs146459055, ClinGen allele CA9924242.

ClinVar aggregate classification (germline): Benign/Likely benign. Review status: criteria provided, multiple submitters, no conflicts (2 of 4 stars). 12 submissions from 10 submitters: Benign (4); Likely benign (6). 2 of the submissions do not count toward it. Last evaluated 2026-09-01.

Conditions:
Inborn genetic diseases. Identifiers: MedGen C0950123, MeSH D030342.
Amyotrophic lateral sclerosis type 8 (ALS8). Identifiers: Orphanet 803, MedGen C1837728, MONDO:0012077, OMIM 608627.
Adult-onset proximal spinal muscular atrophy, autosomal dominant. Also called: Spinal muscular atrophy, late-onset, finkel type; FINKEL LATE-ADULT TYPE SMA. Identifiers: Orphanet 209335, MedGen C1854058, MONDO:0008453, OMIM 182980.

Allele frequency attached by ClinVar (database versions not stated): gnomAD 0.00059 and 0.00066; ESP Exome Variant Server 0.00069; gnomAD exomes 0.00071 and 0.00130; TOPMed 0.00083; 1000 Genomes Project 0.00100; 1000 Genomes Project 30x 0.00109; ExAC 0.00136.
gnomAD v4.1: 1,166 of 1,612,812 alleles (0.072%); highest among the groups gnomAD compares: Middle Eastern, 0.43%; 3 homozygotes.

Submissions (12):

CeGaT Center for Human Genetics Tuebingen
Classification: Likely benign. Last evaluated: 2026-09-01. Review status: criteria provided, single submitter. Criteria: CeGaT Center For Human Genetics Tuebingen Variant Classification Criteria Version 2. Collection method: clinical testing. Allele origin: germline. Affected: yes. Observed: 4 variant alleles.
Comment: VAPB: BP4, BS1

Labcorp Genetics (formerly Invitae), Labcorp
Classification: Likely benign for Adult-onset proximal spinal muscular atrophy, autosomal dominant; Amyotrophic lateral sclerosis type 8. Last evaluated: 2026-01-26. Review status: criteria provided, single submitter. Criteria: Invitae Variant Classification Sherloc (09022015). Collection method: clinical testing. Allele origin: germline.

Genome-Nilou Lab
Classification: Benign for Amyotrophic lateral sclerosis type 8. Last evaluated: 2021-12-05. Review status: criteria provided, single submitter. Criteria: ACMG Guidelines, 2015. Collection method: clinical testing. Allele origin: germline. Affected: no.

Genome-Nilou Lab
Classification: Benign for Adult-onset proximal spinal muscular atrophy, autosomal dominant. Last evaluated: 2021-12-05. Review status: criteria provided, single submitter. Criteria: ACMG Guidelines, 2015. Collection method: clinical testing. Allele origin: germline. Affected: no.

GeneDx
Classification: Benign. Last evaluated: 2019-12-18. Review status: criteria provided, single submitter. Criteria: GeneDx Variant Classification Process June 2021. Collection method: clinical testing. Allele origin: germline. Affected: yes.
Comment: This variant is associated with the following publications: (PMID: 18322265, 22878164, 23971766, 19183264, 28430856, 25382069)

Ambry Genetics
Classification: Likely benign for Inborn genetic diseases. Last evaluated: 2019-09-23. Review status: criteria provided, single submitter. Criteria: Ambry Variant Classification Scheme 2023. Collection method: clinical testing. Allele origin: germline.

Illumina Laboratory Services, Illumina
Classification: Likely benign for Adult-onset proximal spinal muscular atrophy, autosomal dominant. Last evaluated: 2018-01-13. Review status: criteria provided, single submitter. Criteria: ICSL Variant Classification Criteria 13 December 2019. Collection method: clinical testing. Allele origin: germline.
Comment: This variant was observed in the ICSL laboratory as part of a predisposition screen in an ostensibly healthy population. It had not been previously curated by ICSL or reported in the Human Gene Mutation Database (HGMD: prior to June 1st, 2018), and was therefore a candidate for classification through an automated scoring system. Utilizing variant allele frequency, disease prevalence and penetrance estimates, and inheritance mode, an automated score was calculated to assess if this variant is too frequent to cause the disease. Based on the score and internal cut-off values, a variant classified as likely benign is not then subjected to further curation. The score for this variant resulted in a classification of likely benign for this disease.

Illumina Laboratory Services, Illumina
Classification: Benign for Amyotrophic lateral sclerosis type 8. Last evaluated: 2018-01-13. Review status: criteria provided, single submitter. Criteria: ICSL Variant Classification Criteria 13 December 2019. Collection method: clinical testing. Allele origin: germline.
Comment: This variant was observed in the ICSL laboratory as part of a predisposition screen in an ostensibly healthy population. It had not been previously curated by ICSL or reported in the Human Gene Mutation Database (HGMD: prior to June 1st, 2018), and was therefore a candidate for classification through an automated scoring system. Utilizing variant allele frequency, disease prevalence and penetrance estimates, and inheritance mode, an automated score was calculated to assess if this variant is too frequent to cause the disease. Based on the score and internal cut-off values, a variant classified as benign is not then subjected to further curation. The score for this variant resulted in a classification of benign for this disease.

Breakthrough Genomics
Classification: Likely benign. Review status: criteria provided, single submitter. Criteria: ACMG Guidelines, 2015. Collection method: not provided. Allele origin: germline. Inheritance: Autosomal dominant inheritance. Affected: yes.

PreventionGenetics, part of Exact Sciences
Classification: Likely benign. Review status: criteria provided, single submitter. Criteria: ACMG Guidelines, 2015. Collection method: clinical testing. Allele origin: germline.

Clinical Genetics DNA and cytogenetics Diagnostics Lab, Erasmus MC, Erasmus Medical Center
Classification: Likely benign. Review status: no assertion criteria provided. Collection method: clinical testing. Allele origin: germline. Affected: yes. Study: VKGL Data-share Consensus. Not counted in ClinVar's aggregate classification.

Laboratory of Diagnostic Genome Analysis, Leiden University Medical Center (LUMC)
Classification: Likely benign. Review status: no assertion criteria provided. Collection method: clinical testing. Allele origin: germline. Affected: yes. Study: VKGL Data-share Consensus. Not counted in ClinVar's aggregate classification.